The following is an entry in ClinVar:

NM_004629.2(FANCG):c.769C>T (p.Arg257Cys)

Gene: FANCG (FA complementation group G; minus strand). Cytogenetic location: 9p13.3.
Variant type: single nucleotide variant.
Coding change: c.769C>T on transcript NM_004629.2 (MANE Select); coding-DNA position 769, C replaced by T.
Protein change: p.Arg257Cys; replaces arginine 257 with cysteine.
Molecular consequence: missense variant.
Genome position (GRCh38, 1-based): chr9:35,076,979, G>A on the plus strand (C>T on the coding strand, the complement: FANCG is on the minus strand). VCF-style: chr9-35076979-G-A. GRCh37 (hg19) VCF-style: chr9-35076976-G-A.
Other names: short protein forms R257C.
Identifiers: ClinVar variation 1327085 (VCV001327085.7), dbSNP rs759314410, ClinGen allele CA5039966.

ClinVar aggregate classification (germline): Uncertain significance. Review status: criteria provided, multiple submitters, no conflicts (2 of 4 stars). 5 submissions from 5 submitters: Uncertain significance (5). Last evaluated 2026-08-06.

Conditions:
Fanconi anemia (FA). Also called: Fanconi's anemia. Identifiers: Orphanet 84, MedGen C0015625, MeSH D005199, MONDO:0019391.
Fanconi anemia complementation group G. Also called: Fanconi anemia group G; FANCG-Related Fanconi Anemia. Identifiers: Orphanet 84, MedGen C3469527, MONDO:0013565, OMIM 614082.

Allele frequency attached by ClinVar (database versions not stated): gnomAD 0.00005 and 0.00008; TOPMed 0.00005; ExAC 0.00007; gnomAD exomes 0.00009; 1000 Genomes Project 30x 0.00031.

Submissions (5):

OLLIN Analises Genomicas, OLLIN
Classification: Uncertain significance. Last evaluated: 2026-08-06. Review status: criteria provided, single submitter. Criteria: ACMG Guidelines 2015 PMID 25741868. Collection method: clinical testing. Allele origin: germline.
Comment: This missense variant, located in exon 6 (of 14), has been reported in ClinVar (accession VCV001327085.6) and in gnomAD with an allele frequency of 0.011%. However, to our knowledge, it has not been reported in the scientific literature. In silico analysis predicts that this variant has a deleterious effect. According to the currently available evidence, this variant has been classified as uncertain significance (PM2_P, PP3).

Labcorp Genetics (formerly Invitae), Labcorp
Classification: Uncertain significance for Fanconi anemia. Last evaluated: 2022-06-27. Review status: criteria provided, single submitter. Criteria: Invitae Variant Classification Sherloc (09022015). Collection method: clinical testing. Allele origin: germline.
Comment: This sequence change replaces arginine, which is basic and polar, with cysteine, which is neutral and slightly polar, at codon 257 of the FANCG protein (p.Arg257Cys). This variant is present in population databases (rs759314410, gnomAD 0.03%). This variant has not been reported in the literature in individuals affected with FANCG-related conditions. ClinVar contains an entry for this variant (Variation ID: 1327085). Algorithms developed to predict the effect of missense changes on protein structure and function are either unavailable or do not agree on the potential impact of this missense change (SIFT: "Deleterious"; PolyPhen-2: "Probably Damaging"; Align-GVGD: "Class C0"). Algorithms developed to predict the effect of sequence changes on RNA splicing suggest that this variant may disrupt the consensus splice site. In summary, the available evidence is currently insufficient to determine the role of this variant in disease. Therefore, it has been classified as a Variant of Uncertain Significance.

Fulgent Genetics
Classification: Uncertain significance for Fanconi anemia complementation group G. Last evaluated: 2021-07-08. Review status: criteria provided, single submitter. Criteria: ACMG Guidelines, 2015. Collection method: clinical testing. Allele origin: unknown.

Sema4
Classification: Uncertain significance for Fanconi anemia. Last evaluated: 2021-06-18. Review status: criteria provided, single submitter. Criteria: Sema4 Curation Guidelines. Collection method: curation. Allele origin: germline.
Comment: The FANCG c.769C>T (p.R257C) variant has been reported in at least one individual with ovarian cancer (PMID: 32546565). It was observed in 8/30616 chromosomes of the South Asian subpopulation in the large and broad cohorts of the Genome Aggregation Database (PMID: 32461654). The variant has not been reported in ClinVar. In silico tools suggest the impact of the variant on protein function is inconclusive though these predictions have not been confirmed by functional studies. The evidence is insufficient to meet ACMG/AMP criteria for classifying the variant as benign or pathogenic. Thus, the clinical significance of this variant is currently uncertain.

Baylor Genetics
Classification: Uncertain significance for Fanconi anemia complementation group G. Last evaluated: 2021-01-26. Review status: criteria provided, single submitter. Criteria: ACMG Guidelines, 2015. Collection method: clinical testing. Allele origin: unknown. Affected: yes. Study: CSER-TexasKidsCanSeq.
Comment: This variant was determined to be of uncertain significance according to ACMG Guidelines, 2015 [PMID:25741868].

Literature cited by the submitters: PubMed 32546565 (cited by Sema4).